The following is an entry in ClinVar:

NM_000360.4(TH):c.466C>T (p.Arg156Cys)

Gene: TH (tyrosine hydroxylase; minus strand). Cytogenetic location: 11p15.5.
Variant type: single nucleotide variant.
Coding change: c.466C>T on transcript NM_000360.4 (MANE Select); coding-DNA position 466, C replaced by T.
Protein change: p.Arg156Cys; replaces arginine 156 with cysteine.
Molecular consequence: missense variant.
Genome position (GRCh38, 1-based): chr11:2,168,512, G>A on the plus strand (C>T on the coding strand, the complement: TH is on the minus strand). VCF-style: chr11-2168512-G-A. GRCh37 (hg19) VCF-style: chr11-2189742-G-A.
Other names: c.559C>T, p.Arg187Cys (NM_199292.3); c.547C>T, p.Arg183Cys (NM_199293.3); short protein forms R156C, R183C, R187C.
Identifiers: ClinVar variation 2578626 (VCV002578626.26), dbSNP rs762552586, ClinGen allele CA5818655.
Genomic context (GRCh38, chr11:2,168,512, plus strand): 5'-GGTCATTTGGTGGCCCTCAAGGACAGAAAACCGCCTCACCCTTGGGCCCCGCGGGGCTGC[G>A]CACGTCCTCTGACACCTGGCGCACACCACTGAGCAGGGCGGCCAGGTCCCCTCGGCGCAC-3'
Protein context (NP_000351.2, residues 146-166): SGVRQVSEDV[Arg156Cys]SPAGPKVPWF

ClinVar aggregate classification (germline): Uncertain significance. Review status: criteria provided, multiple submitters, no conflicts (2 of 4 stars). 2 submissions from 2 submitters: Uncertain significance (2). Last evaluated 2024-09-08.

Conditions:
TH-deficient dopa-responsive dystonia. Also called: Tyrosine Hydroxylase-Deficient Dopa-Responsive Dystonia; Segawa syndrome, autosomal recessive; DYT-TH. Identifiers: Orphanet 101150, MedGen C2673535, MONDO:0011551, OMIM 605407.

Allele frequency attached by ClinVar (database versions not stated): TOPMed 0.00001; ExAC 0.00004.

Submissions (2):

Labcorp Genetics (formerly Invitae), Labcorp
Classification: Uncertain significance for TH-deficient dopa-responsive dystonia. Last evaluated: 2024-09-08. Review status: criteria provided, single submitter. Criteria: Invitae Variant Classification Sherloc (09022015). Collection method: clinical testing. Allele origin: germline.
Comment: This sequence change replaces arginine, which is basic and polar, with cysteine, which is neutral and slightly polar, at codon 187 of the TH protein (p.Arg187Cys). This variant is present in population databases (rs762552586, gnomAD 0.01%). This variant has not been reported in the literature in individuals affected with TH-related conditions. ClinVar contains an entry for this variant (Variation ID: 2578626). Invitae Evidence Modeling of protein sequence and biophysical properties (such as structural, functional, and spatial information, amino acid conservation, physicochemical variation, residue mobility, and thermodynamic stability) has been performed for this missense variant. However, the output from this modeling did not meet the statistical confidence thresholds required to predict the impact of this variant on TH protein function. In summary, the available evidence is currently insufficient to determine the role of this variant in disease. Therefore, it has been classified as a Variant of Uncertain Significance.

CeGaT Center for Human Genetics Tuebingen
Classification: Uncertain significance. Last evaluated: 2023-07-01. Review status: criteria provided, single submitter. Criteria: CeGaT Center For Human Genetics Tuebingen Variant Classification Criteria Version 2. Collection method: clinical testing. Allele origin: germline. Affected: yes. Observed: 1 variant allele.
Comment: TH: PM2, PP3